The following is an entry in ClinVar:

NM_144670.6(A2ML1):c.2431A>G (p.Thr811Ala)

Gene: A2ML1 (alpha-2-macroglobulin like 1; plus strand). Cytogenetic location: 12p13.31.
Variant type: single nucleotide variant.
Coding change: c.2431A>G on transcript NM_144670.6 (MANE Select); coding-DNA position 2431, A replaced by G.
Protein change: p.Thr811Ala; replaces threonine 811 with alanine.
Molecular consequence: missense variant.
Genome position (GRCh38, 1-based): chr12:8,851,980, A>G. VCF-style: chr12-8851980-A-G. GRCh37 (hg19) VCF-style: chr12-9004576-A-G.
Other names: c.958A>G, p.Thr320Ala (NM_001282424.3); short protein forms T320A, T811A.
Identifiers: ClinVar variation 3229194 (VCV003229194.1), dbSNP rs2539257295, ClinGen allele CA383833457.

ClinVar aggregate classification (germline): Uncertain significance (1 of 4 stars; one submission).

Submission:

Ambry Genetics
Classification: Uncertain significance. Last evaluated: 2024-02-06. Review status: criteria provided, single submitter. Criteria: Ambry Variant Classification Scheme 2023. Collection method: clinical testing. Allele origin: germline.
Comment: The p.T811A variant (also known as c.2431A>G), located in coding exon 19 of the A2ML1 gene, results from an A to G substitution at nucleotide position 2431. The threonine at codon 811 is replaced by alanine, an amino acid with similar properties. This amino acid position is conserved. In addition, this alteration is predicted to be tolerated by in silico analysis. Based on the available evidence, the clinical significance of this alteration remains unclear.